The following is an entry in ClinVar:

ClinVar aggregate classification (germline): Uncertain significance. Review status: criteria provided, multiple submitters, no conflicts (2 of 4 stars). 3 submissions from 3 submitters: Uncertain significance (3). Last evaluated 2025-05-31.

Conditions:
Inborn genetic diseases. Identifiers: MedGen C0950123, MeSH D030342.
Fanconi anemia (FA). Also called: Fanconi's anemia. Identifiers: Orphanet 84, MedGen C0015625, MeSH D005199, MONDO:0019391.

Allele frequency attached by ClinVar (database versions not stated): gnomAD exomes below 0.00001; gnomAD 0.00001.
gnomAD v4.1: 4 of 1,613,600 alleles (0.00025%); highest among the groups gnomAD compares: African/African-American, 0.0013%; no homozygotes.

Submissions (3):

Ambry Genetics
Classification: Uncertain significance for Inborn genetic diseases. Last evaluated: 2025-05-31. Review status: criteria provided, single submitter. Criteria: Ambry Variant Classification Scheme 2023. Collection method: clinical testing. Allele origin: germline.
Comment: The p.E1008A variant (also known as c.3023A>C), located in coding exon 14 of the FANCM gene, results from an A to C substitution at nucleotide position 3023. The glutamic acid at codon 1008 is replaced by alanine, an amino acid with dissimilar properties. This amino acid position is conserved. In addition, this alteration is predicted to be tolerated by in silico analysis. Based on the available evidence, the clinical significance of this variant remains unclear.

Labcorp Genetics (formerly Invitae), Labcorp
Classification: Uncertain significance for Fanconi anemia. Last evaluated: 2023-09-27. Review status: criteria provided, single submitter. Criteria: Invitae Variant Classification Sherloc (09022015). Collection method: clinical testing. Allele origin: germline.
Comment: This sequence change replaces glutamic acid, which is acidic and polar, with alanine, which is neutral and non-polar, at codon 1008 of the FANCM protein (p.Glu1008Ala). This variant is present in population databases (no rsID available, gnomAD 0.0009%). This variant has not been reported in the literature in individuals affected with FANCM-related conditions. ClinVar contains an entry for this variant (Variation ID: 1315014). An algorithm developed to predict the effect of missense changes on protein structure and function (PolyPhen-2) suggests that this variant is likely to be tolerated. In summary, the available evidence is currently insufficient to determine the role of this variant in disease. Therefore, it has been classified as a Variant of Uncertain Significance.

GeneDx
Classification: Uncertain significance. Last evaluated: 2023-04-04. Review status: criteria provided, single submitter. Criteria: GeneDx Variant Classification Process June 2021. Collection method: clinical testing. Allele origin: germline. Affected: yes.
Comment: Not observed at significant frequency in large population cohorts (gnomAD); In silico analysis, which includes protein predictors and evolutionary conservation, supports a deleterious effect; Has not been previously published as pathogenic or benign to our knowledge

NM_020937.4(FANCM):c.3023A>C (p.Glu1008Ala)

Gene: FANCM (FA complementation group M; plus strand). Cytogenetic location: 14q21.2.
Variant type: single nucleotide variant.
Coding change: c.3023A>C on transcript NM_020937.4 (MANE Select); coding-DNA position 3023, A replaced by C.
Protein change: p.Glu1008Ala; replaces glutamic acid 1008 with alanine.
Molecular consequence: missense variant.
Genome position (GRCh38, 1-based): chr14:45,175,777, A>C. VCF-style: chr14-45175777-A-C. GRCh37 (hg19) VCF-style: chr14-45644980-A-C.
Other names: c.2945A>C, p.Glu982Ala (NM_001308133.2); short protein forms E1008A, E982A.
Identifiers: ClinVar variation 1315014 (VCV001315014.7), dbSNP rs1420000591, ClinGen allele CA389599695.
Genomic context (GRCh38, chr14:45,175,777, plus strand): 5'-CTAATGTAGAGAGATTTTTATCTTATTCTCCTCCGCCTCTCAGTGGACTCTCAGACTTGG[A>C]ATATGAAATTGCTAAGGGTACTGCACTTGAGAATTTGCTTTTCTTACCCTGTGCAGAGCA-3'
Protein context (NP_065988.1, residues 998-1018): PPPLSGLSDL[Glu1008Ala]YEIAKGTALE